The following is an entry in ClinVar:

NM_001042413.2(GLIS3):c.*1760T>G

Gene: GLIS3 (GLIS family zinc finger 3; minus strand). Cytogenetic location: 9p24.2.
Variant type: single nucleotide variant.
Coding change: c.*1760T>G on transcript NM_001042413.2 (MANE Select); 1760 bases downstream of the stop codon, T replaced by G.
Molecular consequence: 3 prime UTR variant.
Genome position (GRCh38, 1-based): chr9:3,826,512, A>C on the plus strand (T>G on the coding strand, the complement: GLIS3 is on the minus strand). VCF-style: chr9-3826512-A-C. GRCh37 (hg19) VCF-style: chr9-3826512-A-C.
Other names: c.*1760T>G (NM_152629.4).
Identifiers: ClinVar variation 366930 (VCV000366930.5), dbSNP rs116077269, ClinGen allele CA10634100.

ClinVar aggregate classification (germline): Benign (1 of 4 stars; one submission).

Conditions:
Neonatal diabetes mellitus with congenital hypothyroidism. Also called: NDH SYNDROME. Identifiers: Orphanet 79118, MedGen C1857775, MONDO:0012436, OMIM 610199.

Allele frequency attached by ClinVar (database versions not stated): gnomAD 0.00828 and 0.00871; TOPMed 0.00897; 1000 Genomes Project 0.01038; 1000 Genomes Project 30x 0.01062.

Submission:

Illumina Laboratory Services, Illumina
Classification: Benign for Neonatal diabetes mellitus with congenital hypothyroidism. Last evaluated: 2018-01-12. Review status: criteria provided, single submitter. Criteria: ICSL Variant Classification Criteria 13 December 2019. Collection method: clinical testing. Allele origin: germline.
Comment: This variant was observed in the ICSL laboratory as part of a predisposition screen in an ostensibly healthy population. It had not been previously curated by ICSL or reported in the Human Gene Mutation Database (HGMD: prior to June 1st, 2018), and was therefore a candidate for classification through an automated scoring system. Utilizing variant allele frequency, disease prevalence and penetrance estimates, and inheritance mode, an automated score was calculated to assess if this variant is too frequent to cause the disease. Based on the score and internal cut-off values, a variant classified as benign is not then subjected to further curation. The score for this variant resulted in a classification of benign for this disease.